The following is an entry in ClinVar:

ClinVar aggregate classification (germline): Likely benign. Review status: criteria provided, multiple submitters, no conflicts (2 of 4 stars). 3 submissions from 3 submitters: Likely benign (3). Last evaluated 2025-12-18.

Conditions:
Epidermolysis bullosa simplex 5C, with pyloric atresia (EBS5C). Also called: PLEC-Related Epidermolysis Bullosa with Pyloric Atresia; Epidermolysis bullosa simplex with pyloric atresia; PLEC1-Related Epidermolysis Bullosa with Pyloric Atresia. Identifiers: Orphanet 158684, MedGen C2677349, MONDO:0012807, OMIM 612138.
Autosomal recessive limb-girdle muscular dystrophy type 2Q (LGMDR17). Also called: MUSCULAR DYSTROPHY, LIMB-GIRDLE, AUTOSOMAL RECESSIVE 17. Identifiers: Orphanet 254361, MedGen C3150989, MONDO:0013390, OMIM 613723.
Epidermolysis bullosa simplex with nail dystrophy (EBS5D). Identifiers: MedGen C4225309, MONDO:0014661, OMIM 616487.
Epidermolysis bullosa simplex 5B, with muscular dystrophy (EBS5B). Also called: EPIDERMOLYSIS BULLOSA SIMPLEX AND LIMB-GIRDLE MUSCULAR DYSTROPHY; Epidermolysis bullosa simplex with muscular dystrophy. Identifiers: Orphanet 257, MedGen C2931072, MONDO:0009181, OMIM 226670.
Epidermolysis bullosa simplex, Ogna type (EBS5A). Also called: EPIDERMOLYSIS BULLOSA SIMPLEX 5A, OGNA TYPE; Pidermolysis bullosa simplex 5A, Ogna type. Identifiers: Orphanet 79401, MedGen C0432317, MONDO:0007555, OMIM 131950.

Allele frequency attached by ClinVar (database versions not stated): gnomAD exomes 0.00002; gnomAD 0.00003; TOPMed 0.00004.
gnomAD v4.1: 34 of 1,610,532 alleles (0.0021%); highest among the groups gnomAD compares: Non-Finnish European, 0.0024%; no homozygotes.

Submissions (3):

Labcorp Genetics (formerly Invitae), Labcorp
Classification: Likely benign for Autosomal recessive limb-girdle muscular dystrophy type 2Q; Epidermolysis bullosa simplex, Ogna type; Epidermolysis bullosa simplex with nail dystrophy; Epidermolysis bullosa simplex 5C, with pyloric atresia; Epidermolysis bullosa simplex 5B, with muscular dystrophy. Last evaluated: 2025-12-18. Review status: criteria provided, single submitter. Criteria: Invitae Variant Classification Sherloc (09022015). Collection method: clinical testing. Allele origin: germline.

Blueprint Genetics
Classification: Likely benign. Last evaluated: 2024-04-05. Review status: criteria provided, single submitter. Criteria: ACMG Guidelines, 2015. Collection method: clinical testing. Allele origin: germline.

GeneDx
Classification: Likely benign. Last evaluated: 2016-02-18. Review status: criteria provided, single submitter. Criteria: GeneDx Variant Classification (06012015). Collection method: clinical testing. Allele origin: germline. Affected: yes.
Comment: This variant is considered likely benign or benign based on one or more of the following criteria: it is a conservative change, it occurs at a poorly conserved position in the protein, it is predicted to be benign by multiple in silico algorithms, and/or has population frequency not consistent with disease.

NM_201384.3(PLEC):c.826-19C>T

Gene: PLEC (plectin; minus strand). Cytogenetic location: 8q24.3.
Variant type: single nucleotide variant.
Coding change: c.826-19C>T on transcript NM_201384.3 (MANE Select); 19 bases into the intron before coding-DNA position 826, C replaced by T.
Molecular consequence: intron variant.
Genome position (GRCh38, 1-based): chr8:143,934,948, G>A on the plus strand (C>T on the coding strand, the complement: PLEC is on the minus strand). VCF-style: chr8-143934948-G-A. GRCh37 (hg19) VCF-style: chr8-145009116-G-A.
Other names: c.907-19C>T (NM_000445.5); c.784-19C>T (NM_201378.4); c.760-19C>T (NM_201379.3); c.1237-19C>T (NM_201380.4); c.730-19C>T (NM_201381.3); c.826-19C>T (NM_201382.4); c.838-19C>T (NM_201383.3).
Identifiers: ClinVar variation 383119 (VCV000383119.10), dbSNP rs962403684, ClinGen allele CA16605451.
Genomic context (GRCh38, chr8:143,934,948, plus strand): 5'-CAGCACCAGCTCCCGGTACTCCTGCCAGCGCAGCTGCAGCTCCTGCGGGCAGGCACGGGC[G>A]GCTGTCAGGGGTCGTCGGGGCGTCCAGGCCCAAGCCCCCTGCCCTCCGGGCCCCCCACTC-3'